The following is an entry in ClinVar:

NM_000135.4(FANCA):c.3270_3271del (p.Cys1091fs)

Gene: FANCA (FA complementation group A; minus strand). Cytogenetic location: 16q24.3.
Variant type: Microsatellite.
Coding change: c.3270_3271del on transcript NM_000135.4 (MANE Select); coding-DNA positions 3270 to 3271, 2 bases deleted (CT; older notation c.3270_3271delCT).
Protein change: p.Cys1091fs; shifts the reading frame from cysteine 1091.
Molecular consequence: frameshift variant.
Genome position (GRCh38, 1-based): chr16:89,748,736-89,748,737, AG deleted on the plus strand (CT on the coding strand, the reverse complement: FANCA is on the minus strand); deleting any 2 consecutive bases within chr16:89,748,736-89,748,739 gives the same sequence; the c. name uses the placement nearest the transcript's 3' end. VCF-style (leftmost placement, unchanged base first): chr16-89748735-CAG-C. GRCh37 (hg19) VCF-style: chr16-89815143-CAG-C.
Other names: c.3270_3271del, p.Cys1091fs (NM_001286167.3); short protein forms C1091fs.
Identifiers: ClinVar variation 1373163 (VCV001373163.6), dbSNP rs2143128062, ClinGen allele CA2580613947.
Genomic context (GRCh38, chr16:89,748,735, plus strand): 5'-AAGTGGAAGAACTGCTCGCATCTGGCAGTGATGGGCTGTTCTGCCTGGAAGCTGCTGCCG[CAG>C]AGGACAGACGAAGGCAGGCGGAGGAGGATCCTGGAAAGAAGGGGCTGTATTGGTGGCGAC-3'

ClinVar aggregate classification (germline): Pathogenic (1 of 4 stars; one submission).

Conditions:
Fanconi anemia (FA). Also called: Fanconi's anemia. Identifiers: Orphanet 84, MedGen C0015625, MeSH D005199, MONDO:0019391.

Submission:

Labcorp Genetics (formerly Invitae), Labcorp
Classification: Pathogenic for Fanconi anemia. Last evaluated: 2023-02-05. Review status: criteria provided, single submitter. Criteria: Invitae Variant Classification Sherloc (09022015). Collection method: clinical testing. Allele origin: germline.
Comment: For these reasons, this variant has been classified as Pathogenic. This premature translational stop signal has been observed in individual(s) with clinical features of Fanconi anemia (PMID: 32487094). This variant is not present in population databases (gnomAD no frequency). This sequence change creates a premature translational stop signal (p.Cys1091Argfs*24) in the FANCA gene. It is expected to result in an absent or disrupted protein product. Loss-of-function variants in FANCA are known to be pathogenic (PMID: 19367192).

Literature cited by the submitters: PubMed 32487094; PubMed 19367192.